The following is an entry in ClinVar:

ClinVar aggregate classification (germline): Uncertain significance (1 of 4 stars; one submission).

Conditions:
RYR1-related disorder. Also called: RYR1-related condition; RYR1-related disorders. Identifiers: MedGen CN239331.

Submission:

Labcorp Genetics (formerly Invitae), Labcorp
Classification: Uncertain significance for RYR1-related disorder. Last evaluated: 2024-11-27. Review status: criteria provided, single submitter. Criteria: Invitae Variant Classification Sherloc (09022015). Collection method: clinical testing. Allele origin: germline.
Comment: This sequence change replaces leucine, which is neutral and non-polar, with phenylalanine, which is neutral and non-polar, at codon 120 of the RYR1 protein (p.Leu120Phe). This variant is not present in population databases (gnomAD no frequency). This variant has not been reported in the literature in individuals affected with RYR1-related conditions. ClinVar contains an entry for this variant (Variation ID: 1424036). Invitae Evidence Modeling of protein sequence and biophysical properties (such as structural, functional, and spatial information, amino acid conservation, physicochemical variation, residue mobility, and thermodynamic stability) indicates that this missense variant is expected to disrupt RYR1 protein function with a positive predictive value of 80%. In summary, the available evidence is currently insufficient to determine the role of this variant in disease. Therefore, it has been classified as a Variant of Uncertain Significance.

NM_000540.3(RYR1):c.358C>T (p.Leu120Phe)

Gene: RYR1 (ryanodine receptor 1; plus strand). Cytogenetic location: 19q13.2.
Variant type: single nucleotide variant.
Coding change: c.358C>T on transcript NM_000540.3 (MANE Select); coding-DNA position 358, C replaced by T.
Protein change: p.Leu120Phe; replaces leucine 120 with phenylalanine.
Molecular consequence: missense variant.
Genome position (GRCh38, 1-based): chr19:38,443,730, C>T. VCF-style: chr19-38443730-C-T. GRCh37 (hg19) VCF-style: chr19-38934370-C-T.
Other names: c.358C>T, p.Leu120Phe (NM_001042723.2); short protein forms L120F.
Identifiers: ClinVar variation 1424036 (VCV001424036.6), dbSNP rs1229011605, ClinGen allele CA405675786.